The following is an entry in ClinVar:

ClinVar aggregate classification (germline): Uncertain significance (1 of 4 stars; one submission).

Submission:

GeneDx
Classification: Uncertain significance. Last evaluated: 2025-10-09. Review status: criteria provided, single submitter. Criteria: GeneDx Variant Classification Process June 2021. Collection method: clinical testing. Allele origin: germline.
Comment: Not observed at significant frequency in large population cohorts (gnomAD); In silico analysis supports that this missense variant has a deleterious effect on protein structure/function; Has not been previously published as pathogenic or benign to our knowledge

NM_001378418.1(TCF20):c.4892T>G (p.Phe1631Cys)

Gene: TCF20 (transcription factor 20; minus strand). Cytogenetic location: 22q13.2.
Variant type: single nucleotide variant.
Coding change: c.4892T>G on transcript NM_001378418.1 (MANE Select); coding-DNA position 4892, T replaced by G.
Protein change: p.Phe1631Cys; replaces phenylalanine 1631 with cysteine.
Molecular consequence: missense variant.
Genome position (GRCh38, 1-based): chr22:42,210,414, A>C on the plus strand (T>G on the coding strand, the complement: TCF20 is on the minus strand). VCF-style: chr22-42210414-A-C. GRCh37 (hg19) VCF-style: chr22-42606420-A-C.
Other names: c.4892T>G, p.Phe1631Cys (NM_005650.4, NM_181492.3); short protein forms F1631C.
Identifiers: ClinVar variation 4086344 (VCV004086344.2).
Genomic context (GRCh38, chr22:42,210,414, plus strand): 5'-TTGATGATTGTACAAACGGCTCCAAGTTCACACTTATTTACTACATGGATGTAAGGGTAA[A>C]AAGACTTGTTCTTGGCATCAGTTTTATCCAGTGGCTGGGTGGCATATTTTAGTTTGATCT-3'
Protein context (NP_001365347.1, residues 1621-1641): LDKTDAKNKS[Phe1631Cys]YPYIHVVNKC